The following is an entry in ClinVar:

NM_000501.4(ELN):c.968del (p.Val323fs)

Gene: ELN (elastin; plus strand). Cytogenetic location: 7q11.23.
Variant type: Deletion.
Coding change: c.968del on transcript NM_000501.4 (MANE Select); coding-DNA position 968, one base deleted (T; older notation c.968delT).
Protein change: p.Val323fs; shifts the reading frame from valine 323.
Molecular consequence: frameshift variant.
Genome position (GRCh38, 1-based): chr7:74,053,181, T deleted. VCF-style (leftmost placement, unchanged base first): chr7-74053180-GT-G. GRCh37 (hg19) VCF-style: chr7-73467510-GT-G.
Other names: c.938del, p.Val313fs (NM_001081752.3, NM_001278917.2); c.983del, p.Val328fs (NM_001081753.3, NM_001081754.3); c.968del, p.Val323fs (NM_001081755.3, NM_001278912.2, NM_001278915.2 and 1 more transcripts); c.860del, p.Val287fs (NM_001278913.2); c.953del, p.Val318fs (NM_001278914.2); c.926del, p.Val309fs (NM_001278916.2); c.836del, p.Val279fs (NM_001278918.2); short protein forms V279fs, V287fs, V309fs, V313fs, V318fs, V323fs, V328fs.
Identifiers: ClinVar variation 4855001 (VCV004855001.1).

ClinVar aggregate classification (germline): Likely pathogenic (1 of 4 stars; one submission).

Conditions:
Supravalvar aortic stenosis (SVAS). Also called: Supravalvar aortic stenosis, Eisenberg type. Identifiers: Orphanet 3193, MedGen C0003499, MONDO:0008504, OMIM 185500, HP:0004381.

Submission:

3billion
Classification: Likely pathogenic for Supravalvar aortic stenosis. Last evaluated: 2025-07-21. Review status: criteria provided, single submitter. Criteria: ACMG Guidelines, 2015. Collection method: clinical testing. Allele origin: germline. Affected: yes.
Comment: The variant is not observed in the gnomAD v4.1.0 dataset. Predicted Consequence/Location: Frameshift: predicted to result in a loss or disruption of normal protein function through nonsense-mediated decay (NMD) or protein truncation. Multiple pathogenic variants are reported downstream of the variant. Therefore, this variant is classified as Likely pathogenic according to the recommendation of ACMG/AMP guideline.